The following is an entry in ClinVar:

NM_014956.5(CEP164):c.2505C>T (p.Leu835=)

Gene: CEP164 (centrosomal protein 164; plus strand). Cytogenetic location: 11q23.3.
Variant type: single nucleotide variant.
Coding change: c.2505C>T on transcript NM_014956.5 (MANE Select); coding-DNA position 2505, C replaced by T.
Protein change: p.Leu835=; no amino-acid change (leucine 835 retained).
Molecular consequence: synonymous variant.
Genome position (GRCh38, 1-based): chr11:117,393,015, C>T. VCF-style: chr11-117393015-C-T. GRCh37 (hg19) VCF-style: chr11-117263731-C-T.
Other names: c.2514C>T, p.Leu838= (NM_001271933.2); c.2505C>T (NM_014956.4).
Identifiers: ClinVar variation 1112027 (VCV001112027.11), dbSNP rs1368347260, ClinGen allele CA476896674.
Genomic context (GRCh38, chr11:117,393,015, plus strand): 5'-CTGGTCCGCCTCGGTTCTTCATGCCACATCCCTGCCATCTCCCCTGCAGCTCAGCAGTCT[C>T]CTGCGAGAGAAGCGCCAGGAAGTGGAAGGGGAGCATGAGAGGAGGTTGGACAAGATGAAG-3'
Protein context (NP_055771.4, residues 825-845): VAGYEHELSS[Leu835=]LREKRQEVEG

ClinVar aggregate classification (germline): Likely benign. Review status: criteria provided, multiple submitters, no conflicts (2 of 4 stars). 2 submissions from 2 submitters: Likely benign (2). Last evaluated 2025-12-10.

Conditions:
Nephronophthisis 15 (NPHP15). Identifiers: Orphanet 3156, MedGen C3541853, MONDO:0013917, OMIM 614845.
CEP164-related disorder. Also called: CEP164-related condition.

Allele frequency attached by ClinVar (database versions not stated): gnomAD exomes below 0.00001; gnomAD 0.00001; TOPMed 0.00002.
gnomAD v4.1: 5 of 1,613,258 alleles (0.00031%); highest among the groups gnomAD compares: Admixed American, 0.0033%; no homozygotes.

Submissions (2):

PreventionGenetics, part of Exact Sciences
Classification: Likely benign for CEP164-related condition. Last evaluated: 2025-12-10. Review status: criteria provided, single submitter. Criteria: ACMG Guidelines, 2015. Collection method: clinical testing. Allele origin: germline.
Comment: This variant is classified as likely benign based on ACMG/AMP sequence variant interpretation guidelines (Richards et al. 2015 PMID: 25741868, with internal and published modifications).

Labcorp Genetics (formerly Invitae), Labcorp
Classification: Likely benign for Nephronophthisis 15. Last evaluated: 2024-11-18. Review status: criteria provided, single submitter. Criteria: Invitae Variant Classification Sherloc (09022015). Collection method: clinical testing. Allele origin: germline.